The following is an entry in ClinVar:

NM_012479.4(YWHAG):c.163G>A (p.Ala55Thr)

Gene: YWHAG (tyrosine 3-monooxygenase/tryptophan 5-monooxygenase activation protein gamma; minus strand). Cytogenetic location: 7q11.23.
Variant type: single nucleotide variant.
Coding change: c.163G>A on transcript NM_012479.4 (MANE Select); coding-DNA position 163, G replaced by A.
Protein change: p.Ala55Thr; replaces alanine 55 with threonine.
Molecular consequence: missense variant.
Genome position (GRCh38, 1-based): chr7:76,330,158, C>T on the plus strand (G>A on the coding strand, the complement: YWHAG is on the minus strand). VCF-style: chr7-76330158-C-T. GRCh37 (hg19) VCF-style: chr7-75959475-C-T.
Other names: c.163G>A (NM_012479.3); short protein forms A55T.
Identifiers: ClinVar variation 1449455 (VCV001449455.8), dbSNP rs866370817, ClinGen allele CA160927684.

ClinVar aggregate classification (germline): Uncertain significance. Review status: criteria provided, multiple submitters, no conflicts (2 of 4 stars). 2 submissions from 2 submitters: Uncertain significance (2). Last evaluated 2023-04-18.

Allele frequency attached by ClinVar (database versions not stated): gnomAD exomes below 0.00001.
gnomAD v4.1: 1 of 1,611,182 alleles (0.000062%); highest among the groups gnomAD compares: Non-Finnish European, 0.000085%; no homozygotes.

Submissions (2):

GeneDx
Classification: Uncertain significance. Last evaluated: 2023-04-18. Review status: criteria provided, single submitter. Criteria: GeneDx Variant Classification Process June 2021. Collection method: clinical testing. Allele origin: germline. Affected: yes.
Comment: Not observed at significant frequency in large population cohorts (gnomAD); In silico analysis supports that this missense variant has a deleterious effect on protein structure/function; Has not been previously published as pathogenic or benign to our knowledge

Labcorp Genetics (formerly Invitae), Labcorp
Classification: Uncertain significance. Last evaluated: 2021-04-21. Review status: criteria provided, single submitter. Criteria: Invitae Variant Classification Sherloc (09022015). Collection method: clinical testing. Allele origin: germline.
Comment: This variant is not present in population databases (ExAC no frequency). This variant has not been reported in the literature in individuals with YWHAG-related conditions. Algorithms developed to predict the effect of missense changes on protein structure and function are either unavailable or do not agree on the potential impact of this missense change (SIFT: "Deleterious"; PolyPhen-2: "Benign"; Align-GVGD: "Class C55"). In summary, the available evidence is currently insufficient to determine the role of this variant in disease. Therefore, it has been classified as a Variant of Uncertain Significance. This sequence change replaces alanine with threonine at codon 55 of the YWHAG protein (p.Ala55Thr). The alanine residue is highly conserved and there is a small physicochemical difference between alanine and threonine.